The following is an entry in ClinVar:

ClinVar aggregate classification (germline): Uncertain significance. Review status: criteria provided, multiple submitters, no conflicts (2 of 4 stars). 2 submissions from 2 submitters: Uncertain significance (2). Last evaluated 2022-11-15.

Conditions:
Inborn genetic diseases. Identifiers: MedGen C0950123, MeSH D030342.
Glycine encephalopathy. Also called: Non-ketotic hyperglycinemia; Nonketotic hyperglycinemia. Identifiers: Orphanet 407, MedGen C0751748, MONDO:0011612, HP:0008288.

Allele frequency attached by ClinVar (database versions not stated): gnomAD exomes below 0.00001; gnomAD 0.00002; TOPMed 0.00003.
gnomAD v4.1: 5 of 1,609,516 alleles (0.00031%); highest among the groups gnomAD compares: African/African-American, 0.0067%; no homozygotes.

Submissions (2):

Ambry Genetics
Classification: Uncertain significance for Inborn genetic diseases. Last evaluated: 2022-11-15. Review status: criteria provided, single submitter. Criteria: Ambry Variant Classification Scheme 2023. Collection method: clinical testing. Allele origin: germline.

Labcorp Genetics (formerly Invitae), Labcorp
Classification: Uncertain significance for Glycine encephalopathy. Last evaluated: 2021-09-20. Review status: criteria provided, single submitter. Criteria: Invitae Variant Classification Sherloc (09022015). Collection method: clinical testing. Allele origin: germline.
Comment: This sequence change replaces glutamic acid with glutamine at codon 504 of the GLDC protein (p.Glu504Gln). The glutamic acid residue is moderately conserved and there is a small physicochemical difference between glutamic acid and glutamine. This variant is not present in population databases (ExAC no frequency). This variant has not been reported in the literature in individuals with GLDC-related conditions. Algorithms developed to predict the effect of missense changes on protein structure and function (SIFT, PolyPhen-2, Align-GVGD) all suggest that this variant is likely to be tolerated, but these predictions have not been confirmed by published functional studies and their clinical significance is uncertain. In summary, the available evidence is currently insufficient to determine the role of this variant in disease. Therefore, it has been classified as a Variant of Uncertain Significance.

NM_000170.3(GLDC):c.1510G>C (p.Glu504Gln)

Gene: GLDC (glycine decarboxylase; minus strand). Cytogenetic location: 9p24.1.
Variant type: single nucleotide variant.
Coding change: c.1510G>C on transcript NM_000170.3 (MANE Select); coding-DNA position 1510, G replaced by C.
Protein change: p.Glu504Gln; replaces glutamic acid 504 with glutamine.
Molecular consequence: missense variant.
Genome position (GRCh38, 1-based): chr9:6,589,265, C>G on the plus strand (G>C on the coding strand, the complement: GLDC is on the minus strand). VCF-style: chr9-6589265-C-G. GRCh37 (hg19) VCF-style: chr9-6589265-C-G.
Other names: c.1510G>C (NM_000170.2); short protein forms E504Q.
Identifiers: ClinVar variation 1473630 (VCV001473630.4), dbSNP rs1038321056, ClinGen allele CA188663620.